The following is an entry in ClinVar:

NM_002911.4(UPF1):c.91T>A (p.Ser31Thr)

Gene: UPF1 (UPF1 RNA helicase and ATPase; plus strand). Cytogenetic location: 19p13.11.
Variant type: single nucleotide variant.
Coding change: c.91T>A on transcript NM_002911.4 (MANE Select); coding-DNA position 91, T replaced by A.
Protein change: p.Ser31Thr; replaces serine 31 with threonine.
Molecular consequence: missense variant.
Genome position (GRCh38, 1-based): chr19:18,832,300, T>A. VCF-style: chr19-18832300-T-A. GRCh37 (hg19) VCF-style: chr19-18943109-T-A.
Other names: c.91T>A, p.Ser31Thr (NM_001297549.2); short protein forms S31T.
Identifiers: ClinVar variation 3392929 (VCV003392929.1).
Genomic context (GRCh38, chr19:18,832,300, plus strand): 5'-CAGACTCTCACTTTCCTGGACACGGAGGAGGCCGAGCTGCTTGGCGCCGACACACAGGGC[T>A]CCGAGTTCGAGTTCACCGACTTTACTCTTCCTAGCCAGACGCAGACGCCCCCCGGCGGCC-3'
Protein context (NP_002902.2, residues 21-41): AELLGADTQG[Ser31Thr]EFEFTDFTLP

ClinVar aggregate classification (germline): Uncertain significance (1 of 4 stars; one submission).

Submission:

GeneDx
Classification: Uncertain significance. Last evaluated: 2024-06-27. Review status: criteria provided, single submitter. Criteria: GeneDx Variant Classification Process June 2021. Collection method: clinical testing. Allele origin: germline. Affected: yes.
Comment: Not observed at significant frequency in large population cohorts (gnomAD); In silico analysis indicates that this missense variant does not alter protein structure/function; Has not been previously published as pathogenic or benign to our knowledge